The following is an entry in ClinVar:

NR_003137.3(RNU4-2):n.42C>G

Genes: RNU4-2 (RNA, U4 small nuclear 2; minus strand), SIRT4 (sirtuin 4; plus strand). Cytogenetic location: 12q24.23.
Variant type: single nucleotide variant.
Molecular consequence: non-coding transcript variant (on NR_003137.3).
Genome position: GRCh38 VCF-style: chr12-120291862-G-C. GRCh37 (hg19) VCF-style: chr12-120729665-G-C.
Identifiers: ClinVar variation 4795818 (VCV004795818.1).

ClinVar aggregate classification (germline): Uncertain significance (1 of 4 stars; one submission).

Conditions:
Neurodevelopmental disorder with hypotonia, brain anomalies, distinctive facies, and absent language. Also called: ReNU SYNDROME; RNU4-2-Related Neurodevelopmental Disorder; RNU4-2–Related Autosomal Dominant Neurodevelopmental Disorder. Identifiers: Orphanet 686488, MedGen C5935628, MONDO:0971172, OMIM 620851.

Submission:

Centre for Population Genomics, CPG
Classification: Uncertain significance for RNU4-2-Related Neurodevelopmental Disorder. Last evaluated: 2026-02-11. Review status: criteria provided, single submitter. Criteria: Ellingford et al. (Genome Med. 2022). Collection method: research. Allele origin: germline. Inheritance: Autosomal recessive inheritance. Affected: yes. Observed: 1 variant allele, 1 compound heterozygote.
Comment: PM2_supp,PM1,PP4